The following is an entry in ClinVar:

ClinVar aggregate classification (germline): Uncertain significance. Review status: criteria provided, multiple submitters, no conflicts (2 of 4 stars). 3 submissions from 3 submitters: Uncertain significance (3). Last evaluated 2025-03-21.

Conditions:
Hereditary cancer-predisposing syndrome. Also called: Tumor predisposition; Hereditary neoplastic syndrome; Neoplastic Syndromes, Hereditary; Hereditary Cancer Syndrome. Identifiers: Orphanet 140162, MedGen C0027672, MeSH D009386, MONDO:0015356.

Submissions (3):

Quest Diagnostics Nichols Institute San Juan Capistrano
Classification: Uncertain significance. Last evaluated: 2025-03-21. Review status: criteria provided, single submitter. Criteria: Quest Diagnostics criteria. Collection method: clinical testing. Allele origin: unknown.
Comment: The NTHL1 c.77G>A (p.Gly26Glu) variant has not been reported in individuals with NTHL1-related conditions in the published literature. It also has not been reported in large, multi-ethnic general populations (Genome Aggregation Database). Analysis of this variant using bioinformatics tools for the prediction of the effect of amino acid changes on protein structure and function yielded predictions that this variant is benign. Based on the available information, we are unable to determine the clinical significance of this variant.

Ambry Genetics
Classification: Uncertain significance for Hereditary cancer-predisposing syndrome. Last evaluated: 2023-05-15. Review status: criteria provided, single submitter. Criteria: Ambry Variant Classification Scheme 2023. Collection method: clinical testing. Allele origin: germline.
Comment: The p.G26E variant (also known as c.77G>A), located in coding exon 1 of the NTHL1 gene, results from a G to A substitution at nucleotide position 77. The glycine at codon 26 is replaced by glutamic acid, an amino acid with similar properties. This amino acid position is conserved. In addition, this alteration is predicted to be tolerated by in silico analysis. Since supporting evidence is limited at this time, the clinical significance of this alteration remains unclear.

Labcorp Genetics (formerly Invitae), Labcorp
Classification: Uncertain significance. Last evaluated: 2022-08-20. Review status: criteria provided, single submitter. Criteria: Invitae Variant Classification Sherloc (09022015). Collection method: clinical testing. Allele origin: germline.
Comment: This sequence change replaces glycine, which is neutral and non-polar, with glutamic acid, which is acidic and polar, at codon 26 of the NTHL1 protein (p.Gly26Glu). In summary, the available evidence is currently insufficient to determine the role of this variant in disease. Therefore, it has been classified as a Variant of Uncertain Significance. Algorithms developed to predict the effect of missense changes on protein structure and function are either unavailable or do not agree on the potential impact of this missense change (SIFT: "Not Available"; PolyPhen-2: "Benign"; Align-GVGD: "Not Available"). This variant has not been reported in the literature in individuals affected with NTHL1-related conditions. This variant is not present in population databases (gnomAD no frequency).

NM_002528.7(NTHL1):c.53G>A (p.Gly18Glu)

Gene: NTHL1 (nth like DNA glycosylase 1; minus strand). Cytogenetic location: 16p13.3.
Variant type: single nucleotide variant.
Coding change: c.53G>A on transcript NM_002528.7 (MANE Select); coding-DNA position 53, G replaced by A.
Protein change: p.Gly18Glu; replaces glycine 18 with glutamic acid.
Molecular consequence: missense variant. On other transcripts: 5 prime UTR variant (1).
Genome position (GRCh38, 1-based): chr16:2,047,771, C>T on the plus strand (G>A on the coding strand, the complement: NTHL1 is on the minus strand). VCF-style: chr16-2047771-C-T. GRCh37 (hg19) VCF-style: chr16-2097772-C-T.
Other names: c.53G>A, p.Gly18Glu (NM_001318193.2); c.-126G>A (NM_001318194.2); c.77G>A (NM_002528.5, NM_002528.6); short protein forms G18E.
Identifiers: ClinVar variation 2157822 (VCV002157822.7), dbSNP rs1406320674, ClinGen allele CA394298480.